The following is an entry in ClinVar:

ClinVar aggregate classification (germline): Uncertain significance (1 of 4 stars; one submission).

Conditions:
Neutral lipid storage myopathy (NLSDM). Also called: NEUTRAL LIPID STORAGE DISEASE WITHOUT ICHTHYOSIS. Identifiers: Orphanet 98908, MedGen C1853136, MONDO:0012545, OMIM 610717.

Allele frequency attached by ClinVar (database versions not stated): gnomAD exomes 0.00001 and 0.00003; TOPMed 0.00002; gnomAD 0.00003 and 0.00004.
gnomAD v4.1: 43 of 1,551,176 alleles (0.0028%); highest among the groups gnomAD compares: African/African-American, 0.0041%; no homozygotes.

Submission:

Labcorp Genetics (formerly Invitae), Labcorp
Classification: Uncertain significance for Neutral lipid storage myopathy. Last evaluated: 2022-08-23. Review status: criteria provided, single submitter. Criteria: Invitae Variant Classification Sherloc (09022015). Collection method: clinical testing. Allele origin: germline.
Comment: This sequence change replaces glutamic acid, which is acidic and polar, with glycine, which is neutral and non-polar, at codon 354 of the PNPLA2 protein (p.Glu354Gly). The frequency data for this variant in the population databases is considered unreliable, as metrics indicate poor data quality at this position in the gnomAD database. This variant has not been reported in the literature in individuals affected with PNPLA2-related conditions. ClinVar contains an entry for this variant (Variation ID: 846647). Algorithms developed to predict the effect of missense changes on protein structure and function are either unavailable or do not agree on the potential impact of this missense change (SIFT: "Deleterious"; PolyPhen-2: "Benign"; Align-GVGD: "Class C15"). In summary, the available evidence is currently insufficient to determine the role of this variant in disease. Therefore, it has been classified as a Variant of Uncertain Significance.

NM_020376.4(PNPLA2):c.1061A>G (p.Glu354Gly)

Gene: PNPLA2 (patatin like domain 2, triacylglycerol lipase; plus strand). Cytogenetic location: 11p15.5.
Variant type: single nucleotide variant.
Coding change: c.1061A>G on transcript NM_020376.4 (MANE Select); coding-DNA position 1061, A replaced by G.
Protein change: p.Glu354Gly; replaces glutamic acid 354 with glycine.
Molecular consequence: missense variant.
Genome position (GRCh38, 1-based): chr11:824,322, A>G. VCF-style: chr11-824322-A-G. GRCh37 (hg19) VCF-style: chr11-824322-A-G.
Other names: short protein forms E354G.
Identifiers: ClinVar variation 846647 (VCV000846647.5), dbSNP rs1046972492, ClinGen allele CA216971815.